The following is an entry in ClinVar:

NM_212482.4(FN1):c.338A>G (p.Glu113Gly)

Genes: FN1 (fibronectin 1; minus strand), LOC126806499 (CDK7 strongly-dependent group 2 enhancer GRCh37_chr2:216298103-216299302; plus strand). Cytogenetic location: 2q35.
Variant type: single nucleotide variant.
Coding change: c.338A>G on transcript NM_212482.4 (MANE Select); coding-DNA position 338, A replaced by G.
Protein change: p.Glu113Gly; replaces glutamic acid 113 with glycine.
Molecular consequence: missense variant.
Genome position (GRCh38, 1-based): chr2:215,433,401, T>C on the plus strand (A>G on the coding strand, the complement: FN1 is on the minus strand). VCF-style: chr2-215433401-T-C. GRCh37 (hg19) VCF-style: chr2-216298124-T-C.
Other names: p.Glu113Gly; c.338A>G, p.Glu113Gly (NM_212474.3, NM_212476.3, NM_212478.3 and 14 more transcripts); short protein forms E113G.
Identifiers: ClinVar variation 2574570 (VCV002574570.2), dbSNP rs2470560174, ClinGen allele CA350478815.

ClinVar aggregate classification (germline): Uncertain significance (1 of 4 stars; one submission).

Conditions:
Glomerulopathy with fibronectin deposits 2 (GFND2). Identifiers: Orphanet 84090, MedGen C1866075, MONDO:0011165, OMIM 601894.

Submission:

Foundation for Research in Genetics and Endocrinology, FRIGE's Institute of Human Genetics
Classification: Uncertain significance for Glomerulopathy with fibronectin deposits 2. Last evaluated: 2023-07-28. Review status: criteria provided, single submitter. Criteria: ACMG Guidelines, 2015. Collection method: clinical testing. Allele origin: germline. Inheritance: Autosomal dominant inheritance. Affected: yes. Observed: 1 heterozygote.
Comment: A heterozygous missense variant in exon 3 of the FN1 gene that results in the amino acid substitution of Glycine for Glutamic acid at codon 113 (p.Glu113Gly) was detected. The p.Glu113Gly variant has not been reported in the 1000 genomes, gnomAD (v3.1), gnomdAD (v2) and topmed databases. The in silico predictions of the variant are probably damaging by PolyPhen-2 (HumDiv) and damaging by SIFT, LRT and MutationTaster2. The reference codon is conserved across species. In summary, the variant meets our criteria to be classified as a variant of uncertain significance.